The following is an entry in ClinVar:

ClinVar aggregate classification (germline): Likely pathogenic (1 of 4 stars; one submission).

Conditions:
Allan-Herndon-Dudley syndrome (AHDS). Also called: ALLAN-HERNDON SYNDROME; Passos-Bueno syndrome; MENTAL RETARDATION AND MUSCULAR ATROPHY; T3 RESISTANCE; TRIIODOTHYRONINE RESISTANCE. Identifiers: Orphanet 59, MedGen C0795889, MONDO:0010354, OMIM 300523.

Submission:

3billion
Classification: Likely pathogenic for Allan-Herndon-Dudley syndrome. Last evaluated: 2021-10-02. Review status: criteria provided, single submitter. Criteria: ACMG Guidelines, 2015. Collection method: clinical testing. Allele origin: maternal. Affected: yes. Observed: 1 hemizygote.
Comment: Frameshift: predicted to result in a loss or disruption of normal protein function through nonsense-mediated decay (NMD) or protein truncation. Multiple pathogenic variants are reported downstream of the variant (PVS1_VS). It is not observed in the gnomAD v2.1.1 dataset (PM2). Therefore, this variant is classified as likely pathogenic according to the recommendation of ACMG/AMP guideline.

NM_006517.5(SLC16A2):c.607del (p.Ile203fs)

Gene: SLC16A2 (solute carrier family 16 member 2; plus strand). Cytogenetic location: Xq13.2.
Variant type: Deletion.
Coding change: c.607del on transcript NM_006517.5 (MANE Select); coding-DNA position 607, one base deleted (A; older notation c.607delA).
Protein change: p.Ile203fs; shifts the reading frame from isoleucine 203.
Molecular consequence: frameshift variant.
Genome position (GRCh38, 1-based): chrX:74,524,390, A deleted. VCF-style (leftmost placement, unchanged base first): chrX-74524389-GA-G. GRCh37 (hg19) VCF-style: chrX-73744224-GA-G.
Other names: short protein forms I203fs.
Identifiers: ClinVar variation 1320061 (VCV001320061.1), dbSNP rs2147870528, ClinGen allele CA2573055400.